The following is an entry in ClinVar:

ClinVar aggregate classification (germline): Benign/Likely benign. Review status: criteria provided, multiple submitters, no conflicts (2 of 4 stars). 6 submissions from 6 submitters: Benign (1); Likely benign (4). 1 of the submissions does not count toward it. Last evaluated 2025-12-08.

Conditions:
Birt-Hogg-Dube syndrome 1 (BHD1). Also called: FIBROFOLLICULOMAS WITH TRICHODISCOMAS AND ACROCHORDONS. Identifiers: Orphanet 122, MedGen CN375946, MONDO:0800445, OMIM 135150.
FLCN-related disorder. Also called: FLCN-related condition.
Hereditary cancer-predisposing syndrome. Also called: Hereditary neoplastic syndrome; Neoplastic Syndromes, Hereditary; Tumor predisposition; Hereditary Cancer Syndrome. Identifiers: Orphanet 140162, MedGen C0027672, MeSH D009386, MONDO:0015356.
Birt-Hogg-Dube syndrome. Also called: Birt Hogg Dubé syndrome. Identifiers: Orphanet 122, MedGen C0346010, MONDO:0800444.

Allele frequency attached by ClinVar (database versions not stated): gnomAD 0.00001; gnomAD exomes 0.00001 and 0.00002; ExAC 0.00002; TOPMed 0.00003; ESP Exome Variant Server 0.00015.
gnomAD v4.1: 13 of 1,614,078 alleles (0.00081%); highest among the groups gnomAD compares: African/African-American, 0.004%; no homozygotes.

Submissions (6):

Labcorp Genetics (formerly Invitae), Labcorp
Classification: Likely benign for Birt-Hogg-Dube syndrome. Last evaluated: 2025-12-08. Review status: criteria provided, single submitter. Criteria: Invitae Variant Classification Sherloc (09022015). Collection method: clinical testing. Allele origin: germline.

Myriad Genetics, Inc.
Classification: Benign for Birt-Hogg-Dube syndrome 1. Last evaluated: 2024-10-23. Review status: criteria provided, single submitter. Criteria: Myriad Autosomal Dominant, Autosomal Recessive and X-Linked Classification Criteria (2023). Collection method: clinical testing. Allele origin: unknown.
Comment: This variant is considered benign. This variant is a silent/synonymous amino acid change and it is not expected to impact splicing.

Department of Pathology and Laboratory Medicine, Sinai Health System
Classification: Likely benign for Birt-Hogg-Dube syndrome 1. Last evaluated: 2023-01-25. Review status: criteria provided, single submitter. Criteria: ACMG Guidelines, 2015. Collection method: clinical testing. Allele origin: germline. Affected: yes.

GeneDx
Classification: Likely benign. Last evaluated: 2018-11-19. Review status: criteria provided, single submitter. Criteria: GeneDx Variant Classification Process June 2021. Collection method: clinical testing. Allele origin: germline. Affected: yes.

Ambry Genetics
Classification: Likely benign for Hereditary cancer-predisposing syndrome. Last evaluated: 2017-04-05. Review status: criteria provided, single submitter. Criteria: Ambry Variant Classification Scheme 2023. Collection method: clinical testing. Allele origin: germline.

PreventionGenetics, part of Exact Sciences
Classification: Likely benign for FLCN-related condition. Last evaluated: 2022-01-10. Review status: no assertion criteria provided. Collection method: clinical testing. Allele origin: germline. Not counted in ClinVar's aggregate classification.
Comment: This variant is classified as likely benign based on ACMG/AMP sequence variant interpretation guidelines (Richards et al. 2015 PMID: 25741868, with internal and published modifications).

NM_144997.7(FLCN):c.729G>A (p.Ser243=)

Gene: FLCN (folliculin; minus strand). Cytogenetic location: 17p11.2.
Variant type: single nucleotide variant.
Coding change: c.729G>A on transcript NM_144997.7 (MANE Select); coding-DNA position 729, G replaced by A.
Protein change: p.Ser243=; no amino-acid change (serine 243 retained).
Molecular consequence: synonymous variant.
Genome position (GRCh38, 1-based): chr17:17,222,551, C>T on the plus strand (G>A on the coding strand, the complement: FLCN is on the minus strand). VCF-style: chr17-17222551-C-T. GRCh37 (hg19) VCF-style: chr17-17125865-C-T.
Other names: c.729G>A (LRG_325t1); c.783G>A, p.Ser261= (NM_001353229.2); c.729G>A, p.Ser243= (NM_001353230.2, NM_001353231.2, NM_144606.7).
Identifiers: ClinVar variation 485599 (VCV000485599.22), dbSNP rs377261933, ClinGen allele CA8416330.